The following is an entry in ClinVar:

NM_012309.5(SHANK2):c.613G>T (p.Ala205Ser)

Gene: SHANK2 (SH3 and multiple ankyrin repeat domains 2; minus strand). Cytogenetic location: 11q13.4.
Variant type: single nucleotide variant.
Coding change: c.613G>T on transcript NM_012309.5 (MANE Select); coding-DNA position 613, G replaced by T.
Protein change: p.Ala205Ser; replaces alanine 205 with serine.
Molecular consequence: missense variant.
Genome position (GRCh38, 1-based): chr11:71,094,668, C>A on the plus strand (G>T on the coding strand, the complement: SHANK2 is on the minus strand). VCF-style: chr11-71094668-C-A. GRCh37 (hg19) VCF-style: chr11-70805714-C-A.
Other names: c.613G>T (NM_012309.4); short protein forms A205S.
Identifiers: ClinVar variation 305913 (VCV000305913.15), dbSNP rs189053721, ClinGen allele CA6162097.
Genomic context (GRCh38, chr11:71,094,668, plus strand): 5'-CCAGGTGAGCTCCACCATTTTTGAGAGCTTTGATGACCTCCACAGAGTCGTCCAGCTGAG[C>A]GGCTAAGGTCAGGGGGGTCTCTGAGGAACCCAAACACACACACTTTAGAACCAACATTTG-3'
Protein context (NP_036441.2, residues 195-215): ETGETPLTLA[Ala205Ser]QLDDSVEVIK

ClinVar aggregate classification (germline): Likely benign. Review status: criteria provided, single submitter (1 of 4 stars). 2 submissions from 2 submitters: Likely benign (1). 1 of the submissions does not count toward it. Last evaluated 2025-07-01.

Conditions:
SHANK2-related disorder.

Allele frequency attached by ClinVar (database versions not stated): TOPMed 0.00002; 1000 Genomes Project 30x 0.00141; 1000 Genomes Project 0.00160.
gnomAD v4.1: 467 of 1,551,816 alleles (0.03%); highest among the groups gnomAD compares: South Asian, 0.53%; 2 homozygotes.

Submissions (2):

CeGaT Center for Human Genetics Tuebingen
Classification: Likely benign. Last evaluated: 2025-07-01. Review status: criteria provided, single submitter. Criteria: CeGaT Center For Human Genetics Tuebingen Variant Classification Criteria Version 2. Collection method: clinical testing. Allele origin: germline. Affected: yes. Observed: 1 variant allele.
Comment: SHANK2: BS2

PreventionGenetics, part of Exact Sciences
Classification: Benign for SHANK2-related condition. Last evaluated: 2020-02-18. Review status: no assertion criteria provided. Collection method: clinical testing. Allele origin: germline. Not counted in ClinVar's aggregate classification.
Comment: This variant is classified as benign based on ACMG/AMP sequence variant interpretation guidelines (Richards et al. 2015 PMID: 25741868, with internal and published modifications).